The following is an entry in ClinVar:

NM_018451.5(CPAP):c.469C>T (p.Gln157Ter)

Gene: CPAP (centrosome assembly and centriole elongation protein; minus strand). Cytogenetic location: 13q12.13.
Variant type: single nucleotide variant.
Coding change: c.469C>T on transcript NM_018451.5 (MANE Select); coding-DNA position 469, C replaced by T.
Protein change: p.Gln157Ter; replaces glutamine 157 with a stop codon.
Molecular consequence: nonsense. On other transcripts: non-coding transcript variant (2).
Genome position (GRCh38, 1-based): chr13:24,912,045, G>A on the plus strand (C>T on the coding strand, the complement: CPAP is on the minus strand). VCF-style: chr13-24912045-G-A. GRCh37 (hg19) VCF-style: chr13-25486183-G-A.
Other names: short protein forms Q157*.
Identifiers: ClinVar variation 372318 (VCV000372318.2), dbSNP rs200213585, ClinGen allele CA6920001.
Genomic context (GRCh38, chr13:24,912,045, plus strand): 5'-TCTCTTGTTCTTCCATGAGTCTCTGTAGTTGCTCCAACTGTTGCCTCTTCAATTGTTCCT[G>A]CTTCTTCTGTTGTACTTCTTTCAGCTTTTTAAATACAAAATTAACTTTATTAAATCAACT-3'

ClinVar aggregate classification (germline): Pathogenic (1 of 4 stars; one submission).

Allele frequency attached by ClinVar (database versions not stated): ExAC 0.00001; gnomAD exomes 0.00001 and 0.00003; gnomAD 0.00003; TOPMed 0.00003; 1000 Genomes Project 30x 0.00016; 1000 Genomes Project 0.00020.
gnomAD v4.1: 45 of 1,613,530 alleles (0.0028%); highest among the groups gnomAD compares: Non-Finnish European, 0.0038%; no homozygotes.

Submission:

GeneDx
Classification: Pathogenic. Last evaluated: 2016-12-05. Review status: criteria provided, single submitter. Criteria: GeneDx Variant Classification (06012015). Collection method: clinical testing. Allele origin: germline. Affected: yes.
Comment: The Q157X nonsense variant in the CENPJ gene is predicted to cause loss of normal protein function either through protein truncation or nonsense-mediated mRNA decay. Other truncating variant in the CENPJ gene have been reported in the Human Gene Mutation Database in association with primary microcephaly and Seckel syndrome (Stenson et al., 2009). Although this variant has not been reported previously to our knowledge, we interpret Q157X as a disease-causing variant